The following is an entry in ClinVar:

ClinVar aggregate classification (germline): Conflicting classifications of pathogenicity. Review status: criteria provided, conflicting classifications (1 of 4 stars). 10 submissions from 10 submitters: Uncertain significance (7); Likely benign (1). 2 of the submissions do not count toward it. Last evaluated 2026-02-03.

Conditions:
BRIP1-related disorder. Also called: BRIP1-related condition; BRIP1-related disorders. Identifiers: MedGen CN239206.
Hereditary cancer-predisposing syndrome. Also called: Neoplastic Syndromes, Hereditary; Hereditary Cancer Syndrome; Hereditary neoplastic syndrome; Tumor predisposition. Identifiers: Orphanet 140162, MedGen C0027672, MeSH D009386, MONDO:0015356.
Familial cancer of breast. Also called: Hereditary breast cancer; hereditary breast carcinoma; BREAST CANCER, FAMILIAL. Identifiers: Orphanet 227535, MedGen C0346153, MONDO:0016419, OMIM 114480. Disease mechanism: loss of function.
Fanconi anemia complementation group J. Also called: BRIP1-Related Fanconi Anemia. Identifiers: Orphanet 84, MedGen C1836860, MONDO:0012187, OMIM 609054.

Allele frequency attached by ClinVar (database versions not stated): gnomAD exomes 0.00001 and 0.00003; TOPMed 0.00003; gnomAD 0.00005.
gnomAD v4.1: 54 of 1,613,462 alleles (0.0033%); highest among the groups gnomAD compares: Non-Finnish European, 0.0044%; no homozygotes.

Submissions (10):

Labcorp Genetics (formerly Invitae), Labcorp
Classification: Uncertain significance for Familial cancer of breast; Fanconi anemia complementation group J. Last evaluated: 2026-02-03. Review status: criteria provided, single submitter. Criteria: Invitae Variant Classification Sherloc (09022015). Collection method: clinical testing. Allele origin: germline.
Comment: This sequence change replaces asparagine, which is neutral and polar, with histidine, which is basic and polar, at codon 955 of the BRIP1 protein (p.Asn955His). This variant is present in population databases (rs587782244, gnomAD 0.003%). This missense change has been observed in individual(s) with breast cancer or prostate cancer (PMID: 21409391, 25186627, 35467778). ClinVar contains an entry for this variant (Variation ID: 142113). Invitae Evidence Modeling of protein sequence and biophysical properties (such as structural, functional, and spatial information, amino acid conservation, physicochemical variation, residue mobility, and thermodynamic stability) indicates that this missense variant is not expected to disrupt BRIP1 protein function with a negative predictive value of 95%. In summary, the available evidence is currently insufficient to determine the role of this variant in disease. Therefore, it has been classified as a Variant of Uncertain Significance.

GeneDx
Classification: Uncertain significance. Last evaluated: 2025-02-05. Review status: criteria provided, single submitter. Criteria: GeneDx Variant Classification Process June 2021. Collection method: clinical testing. Allele origin: germline. Affected: yes.
Comment: Not observed at significant frequency in large population cohorts (gnomAD); In silico analysis indicates that this missense variant does not alter protein structure/function; Observed in individuals with breast or prostate cancer (PMID: 21409391, 25186627, 26921362, 33471991, 35467778); This variant is associated with the following publications: (PMID: 21409391, 26921362, 25186627, 11301010, 33471991, 35467778)

Ambry Genetics
Classification: Likely benign for Hereditary cancer-predisposing syndrome. Last evaluated: 2024-09-04. Review status: criteria provided, single submitter. Criteria: Ambry Variant Classification Scheme 2023. Collection method: clinical testing. Allele origin: germline.

Color Diagnostics, LLC DBA Color Health
Classification: Uncertain significance for Hereditary cancer-predisposing syndrome. Last evaluated: 2024-07-01. Review status: criteria provided, single submitter. Criteria: ACMG Guidelines, 2015. Collection method: clinical testing. Allele origin: germline.
Comment: This missense variant replaces asparagine with histidine at codon 955 of the BRIP1 protein. Computational prediction suggests that this variant may not impact protein structure and function. To our knowledge, functional studies have not been reported for this variant. This variant has been reported in individuals affected with breast cancer (PMID 21409391, 25186627, 26921362, 33471991) but not unaffected controls (PMID: 26921362, 33471991). This variant has been identified in 4/282132 chromosomes in the general population by the Genome Aggregation Database (gnomAD). The available evidence is insufficient to determine the role of this variant in disease conclusively. Therefore, this variant is classified as a Variant of Uncertain Significance.

Fulgent Genetics
Classification: Uncertain significance for Familial cancer of breast; Fanconi anemia complementation group J. Last evaluated: 2024-05-20. Review status: criteria provided, single submitter. Criteria: ACMG Guidelines, 2015. Collection method: clinical testing. Allele origin: germline.

Quest Diagnostics Nichols Institute San Juan Capistrano
Classification: Uncertain significance. Last evaluated: 2024-03-12. Review status: criteria provided, single submitter. Criteria: Quest Diagnostics criteria. Collection method: clinical testing. Allele origin: unknown.
Comment: The BRIP1 c.2863A>C (p.Asn955His) variant in the BRIP1 gene. In the published literature, this variant has been reported in individuals with breast cancer (PMID: 21409391 (2011), 25186627 (2015), 26921362 (2016), 33471991 (2021), see also LOVD). The frequency of this variant in the general population, 0.000031 (4/128866 chromosomes (Genome Aggregation Database)), is uninformative in the assessment of its pathogenicity. Analysis of this variant using bioinformatics tools for the prediction of the effect of amino acid changes on protein structure and function yielded predictions that this variant is benign. Based on the available information, we are unable to determine the clinical significance of this variant.

Women's Health and Genetics/Laboratory Corporation of America, LabCorp
Classification: Uncertain significance. Last evaluated: 2023-10-02. Review status: criteria provided, single submitter. Criteria: LabCorp Variant Classification Summary - May 2015. Collection method: clinical testing. Allele origin: germline.
Comment: Variant summary: BRIP1 c.2863A>C (p.Asn955His) results in a conservative amino acid change in the encoded protein sequence. Five of five in-silico tools predict a benign effect of the variant on protein function. The variant allele was found at a frequency of 1.2e-05 in 250742 control chromosomes. The available data on variant occurrences in the general population are insufficient to allow any conclusion about variant significance. c.2863A>C has been reported in the literature in individuals affected with breast an/or ovarian cancer, and prostate cancer, all without evidence of causality (e.g. Wong_2011, Tung_2015, Easton_2016, Brady_2022). These report(s) do not provide unequivocal conclusions about association of the variant with Hereditary Breast And Ovarian Cancer Syndrome. To our knowledge, no experimental evidence demonstrating an impact on protein function has been reported. The following publications have been ascertained in the context of this evaluation (PMID: 21409391, 25186627, 26921362, 35467778). Six submitters have cited clinical-significance assessments for this variant to ClinVar after 2014. All submitters classified the variant as uncertain significance. Based on the evidence outlined above, the variant was classified as uncertain significance.

St. Jude Molecular Pathology, St. Jude Children's Research Hospital
Classification: Uncertain significance for Fanconi anemia complementation group J. Last evaluated: 2022-02-17. Review status: criteria provided, single submitter. Criteria: St. Jude Assertion Criteria 2020. Collection method: clinical testing. Allele origin: germline.
Comment: The BRIP1 c.2863A>C (p.Asn955His) missense change has a maximum frequency of 0.0031% in gnomAD v2.1.1. Six of six in silico tools predict a benign effect of this variant on protein function (BP4), but to our knowledge these predictions have not been confirmed by functional assays. This variant has been reported in individuals with hereditary breast and ovarian cancer (PMID: 21409391, 25186627, 26921362). In addition, one individual with this variant is reported in a database of women older than 70 years of age who have never had cancer (FLOSSIES database). To our knowledge, this variant has not been reported in individuals with Fanconi anemia. In summary, this variant meets criteria to be classified as of uncertain significance based on the ACMG/AMP criteria: BP4.

PreventionGenetics, part of Exact Sciences
Classification: Uncertain significance for BRIP1-related condition. Last evaluated: 2023-11-21. Review status: no assertion criteria provided. Collection method: clinical testing. Allele origin: germline. Not counted in ClinVar's aggregate classification.
Comment: The BRIP1 c.2863A>C variant is predicted to result in the amino acid substitution p.Asn955His. This variant has been reported in patients with a personal and/or family history of breast or ovarian cancer (Wong et al. 2011. PubMed ID: 21409391; Tung et al. 2015. PubMed ID: 25186627; Easton. 2016. PubMed ID: 26921362). It has also been reported in an individual with prostate cancer (Table S5, Brady et al. 2022. PubMed ID: 35467778). This variant is reported in 0.0031% of alleles in individuals of European (Non-Finnish) descent in gnomAD. In ClinVar, this variant is interpreted as uncertain by multiple laboratories. At this time, the clinical significance of this variant is uncertain due to the absence of conclusive functional and genetic evidence.

Department of Pathology and Laboratory Medicine, Sinai Health System
Classification: Uncertain significance. Review status: no assertion criteria provided. Collection method: clinical testing. Allele origin: unknown. Affected: yes. Study: The Canadian Open Genetics Repository (COGR). Not counted in ClinVar's aggregate classification.
Comment: The BRIP1 p.Asn955His variant was identified in 1 of 140 proband chromosomes (frequency: 0.007) from individuals or families with breast cancer (Wong 2011). The variant was also identified in dbSNP (ID: rs587782244) as â€šÃ„ÃºWith Uncertain significance alleleâ€šÃ„Ã¹, ClinVar (classified as uncertain significance by Invitae, Ambry Genetics, Gene Dx, and Color). The variant was identified in control databases in 4 of 276552 chromosomes at a frequency of 0.00001 (Genome Aggregation Database Feb 27, 2017). The variant was observed in the European (Non-Finnish) population in 4 of 126408 chromosomes (freq: 0.00003), while it was not observed in the African, Other, Latino, Ashkenazi Jewish, East Asian, European (Finnish), or South Asian populations. The p.Asn955 residue is not conserved in mammals and computational analyses (PolyPhen-2, SIFT, AlignGVGD, BLOSUM, MutationTaster) do not suggest a high likelihood of impact to the protein; however, this information is not predictive enough to rule out pathogenicity. The variant occurs outside of the splicing consensus sequence and in silico or computational prediction software programs (SpliceSiteFinder, MaxEntScan, NNSPLICE, GeneSplicer) do not predict a difference in splicing. In summary, based on the above information, the clinical significance of this variant cannot be determined with certainty at this time. This variant is classified as a variant of uncertain significance.

Literature cited by the submitters: PubMed 21409391 (cited by 4 submitters); PubMed 25186627 (cited by 4 submitters); PubMed 35467778 (cited by Labcorp Genetics (formerly Invitae), Labcorp and Women's Health and Genetics/Laboratory Corporation of America, LabCorp); PubMed 26921362 (cited by 4 submitters); PubMed 33471991 (cited by Color Diagnostics, LLC DBA Color Health and Quest Diagnostics Nichols Institute San Juan Capistrano).

NM_032043.3(BRIP1):c.2863A>C (p.Asn955His)

Gene: BRIP1 (BRCA1 interacting DNA helicase 1; minus strand). Cytogenetic location: 17q23.2.
Variant type: single nucleotide variant.
Coding change: c.2863A>C on transcript NM_032043.3 (MANE Select); coding-DNA position 2863, A replaced by C.
Protein change: p.Asn955His; replaces asparagine 955 with histidine.
Molecular consequence: missense variant.
Genome position (GRCh38, 1-based): chr17:61,685,878, T>G on the plus strand (A>C on the coding strand, the complement: BRIP1 is on the minus strand). VCF-style: chr17-61685878-T-G. GRCh37 (hg19) VCF-style: chr17-59763239-T-G.
Other names: short protein forms N955H.
Identifiers: ClinVar variation 142113 (VCV000142113.41), dbSNP rs587782244, ClinGen allele CA167441.